The following is an entry in ClinVar:

ClinVar aggregate classification (germline): Uncertain significance (1 of 4 stars; one submission).

Allele frequency attached by ClinVar (database versions not stated): ExAC 0.00001; TOPMed 0.00003; gnomAD 0.00004.
gnomAD v4.1: 44 of 1,614,038 alleles (0.0027%); highest among the groups gnomAD compares: Non-Finnish European, 0.0036%; no homozygotes.

Submission:

Labcorp Genetics (formerly Invitae), Labcorp
Classification: Uncertain significance. Last evaluated: 2022-07-23. Review status: criteria provided, single submitter. Criteria: Invitae Variant Classification Sherloc (09022015). Collection method: clinical testing. Allele origin: germline.
Comment: This sequence change replaces serine, which is neutral and polar, with phenylalanine, which is neutral and non-polar, at codon 4453 of the LRP2 protein (p.Ser4453Phe). This variant is present in population databases (rs774137151, gnomAD 0.002%). This variant has not been reported in the literature in individuals affected with LRP2-related conditions. Advanced modeling of protein sequence and biophysical properties (such as structural, functional, and spatial information, amino acid conservation, physicochemical variation, residue mobility, and thermodynamic stability) performed at Invitae indicates that this missense variant is not expected to disrupt LRP2 protein function. In summary, the available evidence is currently insufficient to determine the role of this variant in disease. Therefore, it has been classified as a Variant of Uncertain Significance.

NM_004525.3(LRP2):c.13358C>T (p.Ser4453Phe)

Gene: LRP2 (LDL receptor related protein 2; minus strand). Cytogenetic location: 2q31.1.
Variant type: single nucleotide variant.
Coding change: c.13358C>T on transcript NM_004525.3 (MANE Select); coding-DNA position 13358, C replaced by T.
Protein change: p.Ser4453Phe; replaces serine 4453 with phenylalanine.
Molecular consequence: missense variant.
Genome position (GRCh38, 1-based): chr2:169,139,281, G>A on the plus strand (C>T on the coding strand, the complement: LRP2 is on the minus strand). VCF-style: chr2-169139281-G-A. GRCh37 (hg19) VCF-style: chr2-169995791-G-A.
Other names: short protein forms S4453F.
Identifiers: ClinVar variation 1954868 (VCV001954868.2), dbSNP rs774137151, ClinGen allele CA1952566.